The following is an entry in ClinVar:

NM_031220.4(PITPNM3):c.196G>A (p.Glu66Lys)

Gene: PITPNM3 (PITPNM family member 3; minus strand). Cytogenetic location: 17p13.1.
Variant type: single nucleotide variant.
Coding change: c.196G>A on transcript NM_031220.4 (MANE Select); coding-DNA position 196, G replaced by A.
Protein change: p.Glu66Lys; replaces glutamic acid 66 with lysine.
Molecular consequence: missense variant. On other transcripts: intron variant (1).
Genome position (GRCh38, 1-based): chr17:6,525,386, C>T on the plus strand (G>A on the coding strand, the complement: PITPNM3 is on the minus strand). VCF-style: chr17-6525386-C-T. GRCh37 (hg19) VCF-style: chr17-6428706-C-T.
Other names: c.118+12601G>A (NM_001165966.2); c.196G>A (NM_031220.3); short protein forms E66K.
Identifiers: ClinVar variation 1408556 (VCV001408556.10), dbSNP rs1908771666, ClinGen allele CA397401749.
Genomic context (GRCh38, chr17:6,525,386, plus strand): 5'-ATCCTGGTCATGAGAGAAGCAGAGTCTCACCTTGATGCTCGTCCAGTTTCCCCATGGTCT[C>T]GATCTGCTCCACGAGGTCATTGGAGTTCCACTGGCTCATCCCAATGAGGATGGCATTCTT-3'
Protein context (NP_112497.2, residues 56-76): WNSNDLVEQI[Glu66Lys]TMGKLDEHQG

ClinVar aggregate classification (germline): Uncertain significance. Review status: criteria provided, multiple submitters, no conflicts (2 of 4 stars). 3 submissions from 3 submitters: Uncertain significance (3). Last evaluated 2024-09-09.

Allele frequency attached by ClinVar (database versions not stated): gnomAD exomes below 0.00001; TOPMed below 0.00001; gnomAD 0.00001.
gnomAD v4.1: 8 of 1,614,078 alleles (0.0005%); highest among the groups gnomAD compares: Admixed American, 0.0017%; no homozygotes.

Submissions (3):

Labcorp Genetics (formerly Invitae), Labcorp
Classification: Uncertain significance. Last evaluated: 2024-09-09. Review status: criteria provided, single submitter. Criteria: Invitae Variant Classification Sherloc (09022015). Collection method: clinical testing. Allele origin: germline.
Comment: This sequence change replaces glutamic acid, which is acidic and polar, with lysine, which is basic and polar, at codon 66 of the PITPNM3 protein (p.Glu66Lys). This variant is not present in population databases (gnomAD no frequency). This variant has not been reported in the literature in individuals affected with PITPNM3-related conditions. ClinVar contains an entry for this variant (Variation ID: 1408556). An algorithm developed to predict the effect of missense changes on protein structure and function (PolyPhen-2) suggests that this variant is likely to be disruptive. In summary, the available evidence is currently insufficient to determine the role of this variant in disease. Therefore, it has been classified as a Variant of Uncertain Significance.

Ambry Genetics
Classification: Uncertain significance. Last evaluated: 2024-04-04. Review status: criteria provided, single submitter. Criteria: Ambry Variant Classification Scheme 2023. Collection method: clinical testing. Allele origin: germline.

Blueprint Genetics
Classification: Uncertain significance. Last evaluated: 2018-07-11. Review status: criteria provided, single submitter. Criteria: ACMG Guidelines, 2015. Collection method: clinical testing. Allele origin: germline.